The following is an entry in ClinVar:

ClinVar aggregate classification (germline): Uncertain significance (1 of 4 stars; one submission).

Submission:

Labcorp Genetics (formerly Invitae), Labcorp
Classification: Uncertain significance. Last evaluated: 2022-06-27. Review status: criteria provided, single submitter. Criteria: Invitae Variant Classification Sherloc (09022015). Collection method: clinical testing. Allele origin: germline.
Comment: This sequence change replaces proline, which is neutral and non-polar, with serine, which is neutral and polar, at codon 1236 of the LRP5 protein (p.Pro1236Ser). In summary, the available evidence is currently insufficient to determine the role of this variant in disease. Therefore, it has been classified as a Variant of Uncertain Significance. Advanced modeling of protein sequence and biophysical properties (such as structural, functional, and spatial information, amino acid conservation, physicochemical variation, residue mobility, and thermodynamic stability) performed at Invitae indicates that this missense variant is not expected to disrupt LRP5 protein function. This variant has not been reported in the literature in individuals affected with LRP5-related conditions. This variant is not present in population databases (gnomAD no frequency).

NM_002335.4(LRP5):c.3706C>T (p.Pro1236Ser)

Gene: LRP5 (LDL receptor related protein 5; plus strand). Cytogenetic location: 11q13.2.
Variant type: single nucleotide variant.
Coding change: c.3706C>T on transcript NM_002335.4 (MANE Select); coding-DNA position 3706, C replaced by T.
Protein change: p.Pro1236Ser; replaces proline 1236 with serine.
Molecular consequence: missense variant.
Genome position (GRCh38, 1-based): chr11:68,429,643, C>T. VCF-style: chr11-68429643-C-T. GRCh37 (hg19) VCF-style: chr11-68197111-C-T.
Other names: c.1963C>T, p.Pro655Ser (NM_001291902.2); short protein forms P655S, P1236S.
Identifiers: ClinVar variation 1465305 (VCV001465305.6), dbSNP rs2153176255, ClinGen allele CA381613335.
Genomic context (GRCh38, chr11:68,429,643, plus strand): 5'-CCATGTGCCCGTGACAATGGTGGCTGCTCCCACATCTGTATTGCCAAGGGTGATGGGACA[C>T]CACGGTGCTCATGCCCAGTCCACCTCGTGCTCCTGCAGAACCTGCTGACCTGTGGAGGTA-3'
Protein context (NP_002326.2, residues 1226-1246): HICIAKGDGT[Pro1236Ser]RCSCPVHLVL